The following is an entry in ClinVar:

ClinVar aggregate classification (germline): Likely pathogenic (1 of 4 stars; one submission).

Conditions:
Donnai-Barrow syndrome. Also called: DBS/FOAR SYNDROME; FACIOOCULOACOUSTICORENAL SYNDROME. Identifiers: Orphanet 2143, MedGen C1857277, MONDO:0009104, OMIM 222448.

Submission:

Women's Health and Genetics/Laboratory Corporation of America, LabCorp
Classification: Likely pathogenic for Donnai-Barrow syndrome. Last evaluated: 2025-07-07. Review status: criteria provided, single submitter. Criteria: LabCorp Variant Classification Summary - May 2015. Collection method: clinical testing. Allele origin: germline.
Comment: Variant summary: LRP2 c.10169+1G>A is located in a canonical splice-site and is predicted to affect mRNA splicing resulting in a significantly altered protein due to either exon skipping, shortening, or inclusion of intronic material. Variants that disrupt the consensus splice site are a relatively common cause of aberrant splicing and loss of LRP2 function. Several computational tools predict a significant impact on normal splicing: Two predict the variant abolishes a 5' splicing donor site. However, these predictions have yet to be confirmed by functional studies. The variant was absent in 251344 control chromosomes. To our knowledge, no occurrence of c.10169+1G>A in individuals affected with Donnai Barrow Syndrome and no experimental evidence demonstrating its impact on protein function have been reported. No submitters have cited clinical-significance assessments for this variant to ClinVar. Based on the evidence outlined above, the variant was classified as likely pathogenic.

NM_004525.3(LRP2):c.10169+1G>A

Gene: LRP2 (LDL receptor related protein 2; minus strand). Cytogenetic location: 2q31.1.
Variant type: single nucleotide variant.
Coding change: c.10169+1G>A on transcript NM_004525.3 (MANE Select); the canonical splice donor site of the intron after coding-DNA position 10169, G replaced by A.
Molecular consequence: splice donor variant.
Genome position (GRCh38, 1-based): chr2:169,181,447, C>T on the plus strand (G>A on the coding strand, the complement: LRP2 is on the minus strand). VCF-style: chr2-169181447-C-T. GRCh37 (hg19) VCF-style: chr2-170037957-C-T.
Identifiers: ClinVar variation 3912040 (VCV003912040.2).